The following is an entry in ClinVar:

NM_004655.4(AXIN2):c.498T>C (p.Ile166=)

Gene: AXIN2 (axin 2; minus strand). Cytogenetic location: 17q24.1.
Variant type: single nucleotide variant.
Coding change: c.498T>C on transcript NM_004655.4 (MANE Select); coding-DNA position 498, T replaced by C.
Protein change: p.Ile166=; no amino-acid change (isoleucine 166 retained).
Molecular consequence: synonymous variant.
Genome position (GRCh38, 1-based): chr17:65,558,123, A>G on the plus strand (T>C on the coding strand, the complement: AXIN2 is on the minus strand). VCF-style: chr17-65558123-A-G. GRCh37 (hg19) VCF-style: chr17-63554241-A-G.
Other names: c.498T>C, p.Ile166= (NM_001363813.1).
Identifiers: ClinVar variation 3254257 (VCV003254257.2), dbSNP rs376763746.

ClinVar aggregate classification (germline): Benign/Likely benign. Review status: criteria provided, multiple submitters, no conflicts (2 of 4 stars). 2 submissions from 2 submitters: Benign (1); Likely benign (1). Last evaluated 2025-12-15.

Conditions:
Hereditary cancer-predisposing syndrome. Also called: Tumor predisposition; Hereditary Cancer Syndrome; Hereditary neoplastic syndrome; Neoplastic Syndromes, Hereditary. Identifiers: Orphanet 140162, MedGen C0027672, MeSH D009386, MONDO:0015356.
Oligodontia-cancer predisposition syndrome. Also called: TOOTH AGENESIS-COLORECTAL CANCER SYNDROME. Identifiers: Orphanet 300576, MedGen C1837750, MONDO:0012075, OMIM 608615. Disease mechanism: loss of function.

Submissions (2):

Ambry Genetics
Classification: Likely benign for Hereditary cancer-predisposing syndrome. Last evaluated: 2025-12-15. Review status: criteria provided, single submitter. Criteria: Ambry Variant Classification Scheme 2023. Collection method: clinical testing. Allele origin: germline.

Myriad Genetics, Inc.
Classification: Benign for Oligodontia-cancer predisposition syndrome. Last evaluated: 2024-06-26. Review status: criteria provided, single submitter. Criteria: Myriad Autosomal Dominant, Autosomal Recessive and X-Linked Classification Criteria (2023). Collection method: clinical testing. Allele origin: unknown.
Comment: This variant is considered benign. This variant is a silent/synonymous amino acid change and it is not expected to impact splicing.